The following is an entry in ClinVar:

NM_001845.6(COL4A1):c.3481T>A (p.Ser1161Thr)

Gene: COL4A1 (collagen type IV alpha 1 chain; minus strand). Cytogenetic location: 13q34.
Variant type: single nucleotide variant.
Coding change: c.3481T>A on transcript NM_001845.6 (MANE Select); coding-DNA position 3481, T replaced by A.
Protein change: p.Ser1161Thr; replaces serine 1161 with threonine.
Molecular consequence: missense variant.
Genome position (GRCh38, 1-based): chr13:110,173,924, A>T on the plus strand (T>A on the coding strand, the complement: COL4A1 is on the minus strand). VCF-style: chr13-110173924-A-T. GRCh37 (hg19) VCF-style: chr13-110826271-A-T.
Other names: short protein forms S1161T.
Identifiers: ClinVar variation 2006410 (VCV002006410.4), dbSNP rs1466757456, ClinGen allele CA388664150.

ClinVar aggregate classification (germline): Uncertain significance (1 of 4 stars; one submission).

Submission:

Labcorp Genetics (formerly Invitae), Labcorp
Classification: Uncertain significance. Last evaluated: 2022-06-14. Review status: criteria provided, single submitter. Criteria: Invitae Variant Classification Sherloc (09022015). Collection method: clinical testing. Allele origin: germline.
Comment: In summary, the available evidence is currently insufficient to determine the role of this variant in disease. Therefore, it has been classified as a Variant of Uncertain Significance. Advanced modeling of protein sequence and biophysical properties (such as structural, functional, and spatial information, amino acid conservation, physicochemical variation, residue mobility, and thermodynamic stability) performed at Invitae indicates that this missense variant is not expected to disrupt COL4A1 protein function. This variant has not been reported in the literature in individuals affected with COL4A1-related conditions. This variant is present in population databases (no rsID available, gnomAD 0.0009%). This sequence change replaces serine, which is neutral and polar, with threonine, which is neutral and polar, at codon 1161 of the COL4A1 protein (p.Ser1161Thr).